The following is an entry in ClinVar:

ClinVar aggregate classification (germline): Benign/Likely benign. Review status: criteria provided, multiple submitters, no conflicts (2 of 4 stars). 2 submissions from 2 submitters: Benign (1); Likely benign (1). Last evaluated 2026-02-01.

Allele frequency attached by ClinVar (database versions not stated): gnomAD exomes 0.00006; ExAC 0.00019; gnomAD 0.00058; 1000 Genomes Project 0.00060; 1000 Genomes Project 30x 0.00062; TOPMed 0.00072; ESP Exome Variant Server 0.00092.
gnomAD v4.1: 186 of 1,614,226 alleles (0.012%); highest among the groups gnomAD compares: African/African-American, 0.2%; no homozygotes.

Submissions (2):

CeGaT Center for Human Genetics Tuebingen
Classification: Likely benign. Last evaluated: 2026-02-01. Review status: criteria provided, single submitter. Criteria: CeGaT Center For Human Genetics Tuebingen Variant Classification Criteria Version 2. Collection method: clinical testing. Allele origin: germline. Affected: yes. Observed: 1 variant allele.
Comment: TCF20: BP4, BP7, BS1

Labcorp Genetics (formerly Invitae), Labcorp
Classification: Benign. Last evaluated: 2025-07-30. Review status: criteria provided, single submitter. Criteria: Invitae Variant Classification Sherloc (09022015). Collection method: clinical testing. Allele origin: germline.

NM_001378418.1(TCF20):c.999C>T (p.Asn333=)

Gene: TCF20 (transcription factor 20; minus strand). Cytogenetic location: 22q13.2.
Variant type: single nucleotide variant.
Coding change: c.999C>T on transcript NM_001378418.1 (MANE Select); coding-DNA position 999, C replaced by T.
Protein change: p.Asn333=; no amino-acid change (asparagine 333 retained).
Molecular consequence: synonymous variant.
Genome position (GRCh38, 1-based): chr22:42,214,307, G>A on the plus strand (C>T on the coding strand, the complement: TCF20 is on the minus strand). VCF-style: chr22-42214307-G-A. GRCh37 (hg19) VCF-style: chr22-42610313-G-A.
Other names: c.999C>T, p.Asn333= (NM_005650.4, NM_181492.3).
Identifiers: ClinVar variation 2064440 (VCV002064440.8), dbSNP rs145650744, ClinGen allele CA10267247.